The following is an entry in ClinVar:

NM_000051.4(ATM):c.2922C>T (p.Ser974=)

Gene: ATM (ATM serine/threonine kinase; plus strand). Cytogenetic location: 11q22.3.
Variant type: single nucleotide variant.
Coding change: c.2922C>T on transcript NM_000051.4 (MANE Select); coding-DNA position 2922, C replaced by T.
Protein change: p.Ser974=; no amino-acid change (serine 974 retained).
Molecular consequence: synonymous variant.
Genome position (GRCh38, 1-based): chr11:108,271,251, C>T. VCF-style: chr11-108271251-C-T. GRCh37 (hg19) VCF-style: chr11-108141978-C-T.
Other names: c.2922C>T, p.Ser974= (NM_001351834.2).
Identifiers: ClinVar variation 229690 (VCV000229690.20), dbSNP rs758045139, ClinGen allele CA10579076.

ClinVar aggregate classification (germline): Conflicting classifications of pathogenicity. Review status: criteria provided, conflicting classifications (1 of 4 stars). 5 submissions from 5 submitters: Uncertain significance (1); Likely benign (4). Last evaluated 2026-01-26.

Conditions:
Ataxia-telangiectasia syndrome (AT). Also called: Ataxia telangiectasia (A-T); Ataxia-telangiectasia, complementation group E; LOUIS-BAR SYNDROME; Cerebello-oculocutaneous telangiectasia; Immunodeficiency with ataxia telangiectasia; Ataxia-telangiectasia, complementation group D. Identifiers: Orphanet 100, MedGen C0004135, MONDO:0008840, OMIM 208900.
Hereditary cancer-predisposing syndrome. Also called: Hereditary Cancer Syndrome; Neoplastic Syndromes, Hereditary; Tumor predisposition; Hereditary neoplastic syndrome. Identifiers: Orphanet 140162, MedGen C0027672, MeSH D009386, MONDO:0015356.
Hereditary breast ovarian cancer syndrome. Also called: Hereditary breast and/or ovarian cancer syndrome; BRCA1- and BRCA2-Associated Hereditary Breast and Ovarian Cancer; Hereditary breast and ovarian cancer syndrome (HBOC); Hereditary breast and ovarian cancer; Hereditary breast and ovarian cancer syndrome; Breast and ovarian cancer. Identifiers: Orphanet 145, MedGen C0677776, MeSH D061325, MONDO:0003582. Disease mechanism: loss of function.

Allele frequency attached by ClinVar (database versions not stated): gnomAD exomes below 0.00001.
gnomAD v4.1: 4 of 1,610,562 alleles (0.00025%); highest among the groups gnomAD compares: Non-Finnish European, 0.00034%; no homozygotes.

Submissions (5):

Labcorp Genetics (formerly Invitae), Labcorp
Classification: Likely benign for Ataxia-telangiectasia syndrome. Last evaluated: 2026-01-26. Review status: criteria provided, single submitter. Criteria: Invitae Variant Classification Sherloc (09022015). Collection method: clinical testing. Allele origin: germline.

Ambry Genetics
Classification: Likely benign for Hereditary cancer-predisposing syndrome. Last evaluated: 2024-12-11. Review status: criteria provided, single submitter. Criteria: Ambry Variant Classification Scheme 2023. Collection method: clinical testing. Allele origin: germline.

German Consortium for Hereditary Breast and Ovarian Cancer, University Hospital Cologne
Classification: Uncertain significance for Hereditary breast ovarian cancer syndrome. Last evaluated: 2024-10-11. Review status: criteria provided, single submitter. Criteria: ClinGen ATM V1.3.0. Collection method: curation. Allele origin: germline.
Comment: According to the ClinGen ACMG ATM v1.3.0 criteria we chose these criteria: PM2 (supporting pathogenic): absent form gnomAD v3.1.2 (non-cancer), BP4 (supporting benign): No predicted splice effect (SpliceAI / MaxEntScan / NNSPLICE / Pangolin), BP7 (supporting benign): Synonymous variant; variant shows a weakly conserved nucleotide (phyloP: 0.28 [-19.0, 10.9])

Color Diagnostics, LLC DBA Color Health
Classification: Likely benign for Hereditary cancer-predisposing syndrome. Last evaluated: 2016-11-22. Review status: criteria provided, single submitter. Criteria: ACMG Guidelines, 2015. Collection method: clinical testing. Allele origin: germline.

GeneDx
Classification: Likely benign. Last evaluated: 2015-11-25. Review status: criteria provided, single submitter. Criteria: GeneDx Variant Classification (06012015). Collection method: clinical testing. Allele origin: germline. Affected: yes.
Comment: This variant is considered likely benign or benign based on one or more of the following criteria: it is a conservative change, it occurs at a poorly conserved position in the protein, it is predicted to be benign by multiple in silico algorithms, and/or has population frequency not consistent with disease.